The following is an entry in ClinVar:

ClinVar aggregate classification (germline): Uncertain significance. Review status: criteria provided, multiple submitters, no conflicts (2 of 4 stars). 3 submissions from 3 submitters: Uncertain significance (3). Last evaluated 2024-05-11.

Conditions:
Hereditary cancer-predisposing syndrome. Also called: Tumor predisposition; Hereditary Cancer Syndrome; Hereditary neoplastic syndrome; Neoplastic Syndromes, Hereditary. Identifiers: Orphanet 140162, MedGen C0027672, MeSH D009386, MONDO:0015356.
Ataxia-telangiectasia syndrome (AT). Also called: Ataxia-telangiectasia, complementation group E; Ataxia-telangiectasia; Ataxia telangiectasia (A-T); Cerebello-oculocutaneous telangiectasia; Immunodeficiency with ataxia telangiectasia; LOUIS-BAR SYNDROME. Identifiers: Orphanet 100, MedGen C0004135, MONDO:0008840, OMIM 208900.

Allele frequency attached by ClinVar (database versions not stated): gnomAD 0.00001.
gnomAD v4.1: 1 of 1,613,862 alleles (0.000062%); highest among the groups gnomAD compares: Admixed American, 0.0017%; no homozygotes.

Submissions (3):

Labcorp Genetics (formerly Invitae), Labcorp
Classification: Uncertain significance for Ataxia-telangiectasia syndrome. Last evaluated: 2024-05-11. Review status: criteria provided, single submitter. Criteria: Invitae Variant Classification Sherloc (09022015). Collection method: clinical testing. Allele origin: germline.
Comment: This sequence change replaces isoleucine, which is neutral and non-polar, with phenylalanine, which is neutral and non-polar, at codon 1520 of the ATM protein (p.Ile1520Phe). This variant is present in population databases (rs765195241, gnomAD 0.003%). This variant has not been reported in the literature in individuals affected with ATM-related conditions. ClinVar contains an entry for this variant (Variation ID: 2064768). An algorithm developed to predict the effect of missense changes on protein structure and function (PolyPhen-2) suggests that this variant is likely to be tolerated. In summary, the available evidence is currently insufficient to determine the role of this variant in disease. Therefore, it has been classified as a Variant of Uncertain Significance.

Ambry Genetics
Classification: Uncertain significance for Hereditary cancer-predisposing syndrome. Last evaluated: 2023-06-07. Review status: criteria provided, single submitter. Criteria: Ambry Variant Classification Scheme 2023. Collection method: clinical testing. Allele origin: germline.
Comment: The p.I1520F variant (also known as c.4558A>T), located in coding exon 29 of the ATM gene, results from an A to T substitution at nucleotide position 4558. The isoleucine at codon 1520 is replaced by phenylalanine, an amino acid with highly similar properties. This alteration was detected in 0/1054 Hispanic BRCA1/2-negative probands with hereditary breast cancer and 1/1189 controls (Weitzel JN et al. Cancer, 2019 Aug;125:2829-2836). This amino acid position is well conserved in available vertebrate species. In addition, this alteration is predicted to be deleterious by in silico analysis. Since supporting evidence is limited at this time, the clinical significance of this alteration remains unclear.

GeneDx
Classification: Uncertain significance. Last evaluated: 2022-07-26. Review status: criteria provided, single submitter. Criteria: GeneDx Variant Classification Process June 2021. Collection method: clinical testing. Allele origin: germline. Affected: yes.
Comment: Not observed at significant frequency in large population cohorts (gnomAD); In silico analysis supports that this missense variant has a deleterious effect on protein structure/function; Has not been previously published as pathogenic or benign to our knowledge

Literature cited by the submitters: PubMed 31206626 (cited by Ambry Genetics).

NM_000051.4(ATM):c.4558A>T (p.Ile1520Phe)

Gene: ATM (ATM serine/threonine kinase; plus strand). Cytogenetic location: 11q22.3.
Variant type: single nucleotide variant.
Coding change: c.4558A>T on transcript NM_000051.4 (MANE Select); coding-DNA position 4558, A replaced by T.
Protein change: p.Ile1520Phe; replaces isoleucine 1520 with phenylalanine.
Molecular consequence: missense variant.
Genome position (GRCh38, 1-based): chr11:108,292,740, A>T. VCF-style: chr11-108292740-A-T. GRCh37 (hg19) VCF-style: chr11-108163467-A-T.
Other names: c.4558A>T, p.Ile1520Phe (NM_001351834.2); short protein forms I1520F.
Identifiers: ClinVar variation 2064768 (VCV002064768.9), dbSNP rs765195241, ClinGen allele CA6265492.